The following is an entry in ClinVar:

NM_015650.4(TRAF3IP1):c.1408C>T (p.Arg470Trp)

Gene: TRAF3IP1 (TRAF3 interacting protein 1; plus strand). Cytogenetic location: 2q37.3.
Variant type: single nucleotide variant.
Coding change: c.1408C>T on transcript NM_015650.4 (MANE Select); coding-DNA position 1408, C replaced by T.
Protein change: p.Arg470Trp; replaces arginine 470 with tryptophan.
Molecular consequence: missense variant.
Genome position (GRCh38, 1-based): chr2:238,349,365, C>T. VCF-style: chr2-238349365-C-T. GRCh37 (hg19) VCF-style: chr2-239258006-C-T.
Other names: c.1210C>T, p.Arg404Trp (NM_001139490.1); c.1408C>T (NM_015650.3); short protein forms R404W, R470W.
Identifiers: ClinVar variation 1013755 (VCV001013755.7), dbSNP rs569480234, ClinGen allele CA2198440.

ClinVar aggregate classification (germline): Uncertain significance. Review status: criteria provided, multiple submitters, no conflicts (2 of 4 stars). 3 submissions from 3 submitters: Uncertain significance (3). Last evaluated 2025-08-14.

Conditions:
Senior-Loken syndrome 9 (SLSN9). Identifiers: Orphanet 3156, MedGen C4225263, MONDO:0014712, OMIM 616629.
Inborn genetic diseases. Identifiers: MedGen C0950123, MeSH D030342.

Allele frequency attached by ClinVar (database versions not stated): gnomAD exomes 0.00002 and 0.00005; TOPMed 0.00002; ExAC 0.00004; gnomAD 0.00002.
gnomAD v4.1: 67 of 1,614,020 alleles (0.0042%); highest among the groups gnomAD compares: South Asian, 0.0077%; no homozygotes.

Submissions (3):

Ambry Genetics
Classification: Uncertain significance for Inborn genetic diseases. Last evaluated: 2025-08-14. Review status: criteria provided, single submitter. Criteria: Ambry Variant Classification Scheme 2023. Collection method: clinical testing. Allele origin: germline.

Baylor Genetics
Classification: Uncertain significance for Senior-Loken syndrome 9. Last evaluated: 2023-02-02. Review status: criteria provided, single submitter. Criteria: ACMG Guidelines, 2015. Collection method: clinical testing. Allele origin: unknown.

Labcorp Genetics (formerly Invitae), Labcorp
Classification: Uncertain significance. Last evaluated: 2022-07-08. Review status: criteria provided, single submitter. Criteria: Invitae Variant Classification Sherloc (09022015). Collection method: clinical testing. Allele origin: germline.
Comment: This sequence change replaces arginine, which is basic and polar, with tryptophan, which is neutral and slightly polar, at codon 470 of the TRAF3IP1 protein (p.Arg470Trp). This variant is present in population databases (rs569480234, gnomAD 0.004%). This variant has not been reported in the literature in individuals affected with TRAF3IP1-related conditions. ClinVar contains an entry for this variant (Variation ID: 1013755). Algorithms developed to predict the effect of missense changes on protein structure and function (SIFT, PolyPhen-2, Align-GVGD) all suggest that this variant is likely to be disruptive. In summary, the available evidence is currently insufficient to determine the role of this variant in disease. Therefore, it has been classified as a Variant of Uncertain Significance.